The following is an entry in ClinVar:

ClinVar aggregate classification (germline): Uncertain significance (1 of 4 stars; one submission).

Conditions:
Nemaline myopathy 2 (NEM2). Also called: Nemaline myopathy 2, autosomal recessive. Identifiers: MedGen C1850569, MONDO:0009725, OMIM 256030.

Submission:

Labcorp Genetics (formerly Invitae), Labcorp
Classification: Uncertain significance for Nemaline myopathy 2. Last evaluated: 2021-08-30. Review status: criteria provided, single submitter. Criteria: Invitae Variant Classification Sherloc (09022015). Collection method: clinical testing. Allele origin: germline.
Comment: This sequence change replaces glutamic acid with glycine at codon 134 of the NEB protein (p.Glu134Gly). The glutamic acid residue is moderately conserved and there is a moderate physicochemical difference between glutamic acid and glycine. This variant is not present in population databases (ExAC no frequency). This variant has not been reported in the literature in individuals affected with NEB-related conditions. Algorithms developed to predict the effect of missense changes on protein structure and function are either unavailable or do not agree on the potential impact of this missense change (SIFT: "Deleterious"; PolyPhen-2: "Not Available"; Align-GVGD: "Class C0"). Algorithms developed to predict the effect of sequence changes on RNA splicing suggest that this variant may disrupt the consensus splice site. In summary, the available evidence is currently insufficient to determine the role of this variant in disease. Therefore, it has been classified as a Variant of Uncertain Significance.

NM_001164508.2(NEB):c.401A>G (p.Glu134Gly)

Gene: NEB (nebulin; minus strand). Cytogenetic location: 2q23.3.
Variant type: single nucleotide variant.
Coding change: c.401A>G on transcript NM_001164508.2 (MANE Select); coding-DNA position 401, A replaced by G.
Protein change: p.Glu134Gly; replaces glutamic acid 134 with glycine.
Molecular consequence: missense variant.
Genome position (GRCh38, 1-based): chr2:151,725,454, T>C on the plus strand (A>G on the coding strand, the complement: NEB is on the minus strand). VCF-style: chr2-151725454-T-C. GRCh37 (hg19) VCF-style: chr2-152581968-T-C.
Other names: c.401A>G, p.Glu134Gly (NM_001164507.2, NM_001271208.2, NM_004543.5); short protein forms E134G.
Identifiers: ClinVar variation 1415553 (VCV001415553.5), dbSNP rs2150794998, ClinGen allele CA348793317.
Genomic context (GRCh38, chr2:151,725,454, plus strand): 5'-TCCCAGCAGTAGGTGTATTTTGAAATGTCCCTCTCCTTTATTTCAGCAATGCAGCCCACC[T>C]CACTGAGTTGATCTTGTACTTTTTTGATTCTGCGAAGTTCTGGAGTATCTGTTGTGCTGG-3'
Protein context (NP_001157980.2, residues 124-144): RIKKVQDQLS[Glu134Gly]VKYRMDGDVA